The following continues an entry in ClinVar:

NM_000165.5(GJA1):c.-16-12T>A

Gene: GJA1. ClinVar aggregate classification (germline): Conflicting classifications of pathogenicity. Uncertain significance (1); Benign (4); Likely benign (1).

Submissions 31 to 40 of 40:

Dr. Peter K. Rogan Lab, Western University
No classification provided (evidence only). Condition: Gastric cancer. Review status: no classification provided. Collection method: in vitro. Allele origin: not applicable. Functional consequence: retained intron. Not counted in ClinVar's aggregate classification.

Dr. Peter K. Rogan Lab, Western University
No classification provided (evidence only). Condition: Gastric cancer. Review status: no classification provided. Collection method: in vitro. Allele origin: not applicable. Functional consequence: retained intron. Not counted in ClinVar's aggregate classification.

Dr. Peter K. Rogan Lab, Western University
No classification provided (evidence only). Condition: Gastric cancer. Review status: no classification provided. Collection method: in vitro. Allele origin: not applicable. Functional consequence: retained intron. Not counted in ClinVar's aggregate classification.

Dr. Peter K. Rogan Lab, Western University
No classification provided (evidence only). Condition: Nonpapillary renal cell carcinoma. Review status: no classification provided. Collection method: in vitro. Allele origin: not applicable. Functional consequence: retained intron. Not counted in ClinVar's aggregate classification.

Dr. Peter K. Rogan Lab, Western University
No classification provided (evidence only). Condition: Nonpapillary renal cell carcinoma. Review status: no classification provided. Collection method: in vitro. Allele origin: not applicable. Functional consequence: retained intron. Not counted in ClinVar's aggregate classification.

Dr. Peter K. Rogan Lab, Western University
No classification provided (evidence only). Condition: Nonpapillary renal cell carcinoma. Review status: no classification provided. Collection method: in vitro. Allele origin: not applicable. Functional consequence: retained intron. Not counted in ClinVar's aggregate classification.

Dr. Peter K. Rogan Lab, Western University
No classification provided (evidence only). Condition: Nonpapillary renal cell carcinoma. Review status: no classification provided. Collection method: in vitro. Allele origin: not applicable. Functional consequence: retained intron. Not counted in ClinVar's aggregate classification.

Dr. Peter K. Rogan Lab, Western University
No classification provided (evidence only). Condition: Lymphoma. Review status: no classification provided. Collection method: in vitro. Allele origin: not applicable. Functional consequence: retained intron. Not counted in ClinVar's aggregate classification.

Dr. Peter K. Rogan Lab, Western University
No classification provided (evidence only). Condition: Lymphoma. Review status: no classification provided. Collection method: in vitro. Allele origin: not applicable. Functional consequence: retained intron. Not counted in ClinVar's aggregate classification.

Dr. Peter K. Rogan Lab, Western University
No classification provided (evidence only). Condition: Ovarian cancer. Review status: no classification provided. Collection method: in vitro. Allele origin: not applicable. Functional consequence: retained intron. Not counted in ClinVar's aggregate classification.